The following is an entry in ClinVar:

NM_000540.3(RYR1):c.11776C>T (p.Gln3926Ter)

Gene: RYR1 (ryanodine receptor 1; plus strand). Cytogenetic location: 19q13.2.
Variant type: single nucleotide variant.
Coding change: c.11776C>T on transcript NM_000540.3 (MANE Select); coding-DNA position 11776, C replaced by T.
Protein change: p.Gln3926Ter; replaces glutamine 3926 with a stop codon.
Molecular consequence: nonsense.
Genome position (GRCh38, 1-based): chr19:38,543,433, C>T. VCF-style: chr19-38543433-C-T. GRCh37 (hg19) VCF-style: chr19-39034073-C-T.
Other names: c.11761C>T, p.Gln3921Ter (NM_001042723.2); short protein forms Q3921*, Q3926*.
Identifiers: ClinVar variation 2898604 (VCV002898604.3), dbSNP rs2514575421, ClinGen allele CA405661456.

ClinVar aggregate classification (germline): Pathogenic (1 of 4 stars; one submission).

Conditions:
RYR1-related disorder. Also called: RYR1-related condition; RYR1-related disorders. Identifiers: MedGen CN239331.

Submission:

Labcorp Genetics (formerly Invitae), Labcorp
Classification: Pathogenic for RYR1-related disorder. Last evaluated: 2023-04-06. Review status: criteria provided, single submitter. Criteria: Invitae Variant Classification Sherloc (09022015). Collection method: clinical testing. Allele origin: germline.
Comment: This sequence change creates a premature translational stop signal (p.Gln3926*) in the RYR1 gene. It is expected to result in an absent or disrupted protein product. Loss-of-function variants in RYR1 are known to be pathogenic (PMID: 23919265, 25960145, 28818389, 30611313). This variant is not present in population databases (gnomAD no frequency). This variant has not been reported in the literature in individuals affected with RYR1-related conditions. Algorithms developed to predict the effect of sequence changes on RNA splicing suggest that this variant may create or strengthen a splice site. For these reasons, this variant has been classified as Pathogenic.

Literature cited by the submitters: PubMed 23919265; PubMed 25960145; PubMed 28818389; PubMed 30611313.